The following is an entry in ClinVar:

ClinVar aggregate classification (germline): Uncertain significance (1 of 4 stars; one submission).

Conditions:
Inborn genetic diseases. Identifiers: MedGen C0950123, MeSH D030342.

Submission:

Ambry Genetics
Classification: Uncertain significance for Inborn genetic diseases. Last evaluated: 2021-06-23. Review status: criteria provided, single submitter. Criteria: Ambry Variant Classification Scheme 2023. Collection method: clinical testing. Allele origin: germline.
Comment: The c.2005_2049+21dupCTTGGGAATGTCATTCATCCTGATGTTGTCGTTAATGGAGGACAAGTAGGTGATTCTCTAAAATGT () gross duplication spans coding exons XXXX through XXXX in the IARS2 gene; however, the exact breakpoints of the deletion were not determined. Gene duplications are expected to disrupt gene function; however, it is unclear whether this duplication is disruptive to the IARS2 gene, or is merely duplicated adjacent to the original xxxx gene or located elsewhere in the genome (Mazzarella, R and Schlessinger, D Genome Res 1998;8:1007-1021). Based on insufficient or conflicting evidence, the clinical significance of this alteration remains unclear.

NM_018060.4(IARS2):c.2005_2049+21dup

Gene: IARS2 (isoleucyl-tRNA synthetase 2, mitochondrial; plus strand). Cytogenetic location: 1q41.
Variant type: Duplication.
Coding change: c.2005_2049+21dup on transcript NM_018060.4 (MANE Select); coding-DNA position 2005 through 21 bases into the intron after coding-DNA position 2049, 66 bases duplicated.
Molecular consequence: splice donor variant.
Genome position (GRCh38, 1-based): chr1:220,136,867-220,136,932, 66 bases duplicated. GRCh37 (hg19): chr1:220,310,209-220,310,274.
Identifiers: ClinVar variation 2231417 (VCV002231417.2), dbSNP rs2528571808, ClinGen allele CA2580062202.